The following is an entry in ClinVar:

ClinVar aggregate classification (germline): Uncertain significance. Review status: criteria provided, multiple submitters, no conflicts (2 of 4 stars). 2 submissions from 2 submitters: Uncertain significance (2). Last evaluated 2025-06-18.

Submissions (2):

GeneDx
Classification: Uncertain significance. Last evaluated: 2025-06-18. Review status: criteria provided, single submitter. Criteria: GeneDx Variant Classification Process June 2021. Collection method: clinical testing. Allele origin: germline. Affected: yes.
Comment: Not observed at significant frequency in large population cohorts (gnomAD); In silico analysis supports that this missense variant has a deleterious effect on protein structure/function; Has not been previously published as pathogenic or benign to our knowledge

Greenwood Genetic Center Diagnostic Laboratories, Greenwood Genetic Center
Classification: Uncertain significance. Last evaluated: 2024-04-18. Review status: criteria provided, single submitter. Criteria: ACMG Guidelines, 2015. Collection method: clinical testing. Allele origin: germline. Affected: yes.
Comment: PM2, PP2, PP3

NM_001287491.2(TET3):c.2543C>T (p.Ser848Phe)

Gene: TET3 (tet methylcytosine dioxygenase 3; plus strand). Cytogenetic location: 2p13.1.
Variant type: single nucleotide variant.
Coding change: c.2543C>T on transcript NM_001287491.2 (MANE Select); coding-DNA position 2543, C replaced by T.
Protein change: p.Ser848Phe; replaces serine 848 with phenylalanine.
Molecular consequence: missense variant.
Genome position (GRCh38, 1-based): chr2:74,073,597, C>T. VCF-style: chr2-74073597-C-T. GRCh37 (hg19) VCF-style: chr2-74300724-C-T.
Other names: c.2264C>T, p.Ser755Phe (NM_001366022.1); c.2543C>T (NM_001287491.1); short protein forms S755F, S848F.
Identifiers: ClinVar variation 3338592 (VCV003338592.2).